The following continues an entry in ClinVar:

NM_000059.4(BRCA2):c.7319A>G (p.His2440Arg)

Gene: BRCA2. ClinVar aggregate classification (germline): Benign. Benign (1).

Submissions 20 to 38 of 38:

CHEO Genetics Diagnostic Laboratory, Children's Hospital of Eastern Ontario
Classification: Benign for Breast and/or ovarian cancer. Last evaluated: 2016-01-26. Review status: criteria provided, single submitter. Criteria: ACMG Guidelines, 2015. Collection method: clinical testing. Allele origin: germline. Study: Canadian Open Genetics Repository. Not counted in ClinVar's aggregate classification.

Clinical Genetics DNA and cytogenetics Diagnostics Lab, Erasmus MC, Erasmus Medical Center
Classification: Benign for Breast-ovarian cancer, familial, susceptibility to, 2. Last evaluated: 2015-09-21. Review status: criteria provided, single submitter. Criteria: ACGS Guidelines, 2013. Collection method: clinical testing. Allele origin: germline. Affected: yes. Study: VKGL Data-share Consensus. Not counted in ClinVar's aggregate classification.

Genomic Diagnostic Laboratory, Division of Genomic Diagnostics, Children's Hospital of Philadelphia
Classification: Likely benign for Hereditary Breast and Ovarian Cancer. Last evaluated: 2015-04-14. Review status: criteria provided, single submitter. Criteria: DGD Variant Analysis Guidelines. Collection method: clinical testing. Allele origin: unknown. Not counted in ClinVar's aggregate classification.

Color Diagnostics, LLC DBA Color Health
Classification: Benign for Hereditary cancer-predisposing syndrome. Last evaluated: 2015-03-05. Review status: criteria provided, single submitter. Criteria: ACMG Guidelines, 2015. Collection method: clinical testing. Allele origin: germline. Not counted in ClinVar's aggregate classification.

Eurofins Ntd Llc (ga)
Classification: Benign. Last evaluated: 2014-12-12. Review status: criteria provided, single submitter. Criteria: EGL Classification Definitions 2015. Collection method: clinical testing. Allele origin: germline. Observed: 7 variant alleles, 7 heterozygotes. Not counted in ClinVar's aggregate classification.

Ambry Genetics
Classification: Benign for Hereditary cancer-predisposing syndrome. Last evaluated: 2014-11-19. Review status: criteria provided, single submitter. Criteria: Ambry Variant Classification Scheme 2023. Collection method: clinical testing. Allele origin: germline. Not counted in ClinVar's aggregate classification.

Pathway Genomics
Classification: Benign for Breast-ovarian cancer, familial 2. Last evaluated: 2014-10-30. Review status: criteria provided, single submitter. Criteria: ACMG Guidelines, 2015. Collection method: clinical testing. Allele origin: germline. Not counted in ClinVar's aggregate classification.

Women's Health and Genetics/Laboratory Corporation of America, LabCorp
Classification: Benign for Hereditary breast ovarian cancer syndrome. Last evaluated: 2014-02-28. Review status: criteria provided, single submitter. Criteria: LabCorp Variant Classification Summary - May 2015. Collection method: clinical testing. Allele origin: germline. Not counted in ClinVar's aggregate classification.

Breakthrough Genomics
Classification: Benign. Review status: criteria provided, single submitter. Criteria: ACMG Guidelines, 2015. Collection method: not provided. Allele origin: germline. Inheritance: Autosomal recessive inheritance. Affected: yes. Not counted in ClinVar's aggregate classification.

Biesecker Lab/Clinical Genomics Section, National Institutes of Health
Classification: Benign for Breast-ovarian cancer, familial, susceptibility to, 2. Last evaluated: 2023-10-06. Review status: no assertion criteria provided. Collection method: research. Allele origin: germline. Inheritance: Autosomal dominant inheritance. Affected: no. Observed: 1 variant allele. Study: ClinSeq. Not counted in ClinVar's aggregate classification.
Comment: BA1 based on allele frequency in AFR of 0.03316 in gnomAD.

Mayo Clinic Laboratories, Mayo Clinic
Classification: Likely benign. Last evaluated: 2017-10-09. Review status: no assertion criteria provided. Collection method: clinical testing. Allele origin: unknown. Not counted in ClinVar's aggregate classification.

True Health Diagnostics
Classification: Likely benign for Hereditary cancer-predisposing syndrome. Last evaluated: 2017-09-29. Review status: no assertion criteria provided. Collection method: clinical testing. Allele origin: germline. Not counted in ClinVar's aggregate classification.

Counsyl
Classification: Benign for Breast-ovarian cancer, familial 2. Last evaluated: 2014-01-02. Review status: no assertion criteria provided. Collection method: literature only. Allele origin: unknown. Inheritance: Autosomal dominant inheritance. Not counted in ClinVar's aggregate classification.

ITMI
No classification provided. Condition: AllHighlyPenetrant. Last evaluated: 2013-09-19. Review status: no classification provided. Collection method: reference population. Allele origin: germline. Not counted in ClinVar's aggregate classification.
Comment: Please see associated publication for description of ethnicities

Breast Cancer Information Core (BIC) (BRCA2)
Classification: Uncertain significance for Breast-ovarian cancer, familial 2. Last evaluated: 2002-05-29. Review status: no assertion criteria provided. Collection method: clinical testing. Allele origin: germline. Affected: yes. Observed: 79 variant alleles. Not counted in ClinVar's aggregate classification.

Clinical Genetics Laboratory, Department of Pathology, Netherlands Cancer Institute
Classification: Benign. Review status: no assertion criteria provided. Collection method: clinical testing. Allele origin: germline. Affected: yes. Study: VKGL Data-share Consensus. Not counted in ClinVar's aggregate classification.

Department of Pathology and Laboratory Medicine, Sinai Health System
Classification: Benign for Malignant tumor of breast. Review status: no assertion criteria provided. Collection method: clinical testing. Allele origin: unknown. Affected: yes. Study: The Canadian Open Genetics Repository (COGR). Not counted in ClinVar's aggregate classification.
Comment: The p.His2440Arg variant has been previously reported in the literature in 8/13066 proband chromosomes from individuals with breast and ovarian cancer, as well as in 4/280 control chromosomes (Fackenthal_2005_15744044, Gao_2000_11030417, Akbari_2011_21965345, Borg_2010_20104584, Haffty_2009_19491284). It is listed in the dbSNP database as coming from a "clinical source" (ID#: rs4986860) with a MAF score of 0.007 (1000 Genomes). The variant was identified in the ExAc Database at a frequency of 0.003 which includes 9 homozygous individuals and a 0.03 frequency in the African population. The variant was also identified in the UMD (x24), BIC (x79), Exome Server and BOCs databases. In the UMD database, the p.His2440Arg variant was found to co-occur with pathogenic mutations in BRCA1 c.IVS16+6T>C (c.4986+6T>C), as well as in BRCA2 c.2808_2811delACAA (p.Ala938ProfsX21); c.7069_7070delCT (p.Leu2357ValfsX2), increasing the likelihood that the variant is a benign alteration. This residue is not conserved in mammals and computational analyses (SIFT, AlignGVGD) do not suggest a high likelihood of impact to the protein. However, this information is not predictive enough to rule out pathogenicity. In summary, based on the above information, this variant is classified as Benign.

Genome Diagnostics Laboratory, University Medical Center Utrecht
Classification: Benign. Review status: no assertion criteria provided. Collection method: clinical testing. Allele origin: germline. Affected: yes. Study: VKGL Data-share Consensus. Not counted in ClinVar's aggregate classification.

Joint Genome Diagnostic Labs from Nijmegen and Maastricht, Radboudumc and MUMC+
Classification: Benign. Review status: no assertion criteria provided. Collection method: clinical testing. Allele origin: germline. Affected: yes. Study: VKGL Data-share Consensus. Not counted in ClinVar's aggregate classification.

Literature cited by the submitters: DOI 10.3389/fgene.2022.834265 (cited by National Health Laboratory Service, Universitas Academic Hospital and University of the Free State); PubMed 36329109 (cited by Genetics Program, Instituto Nacional de Cancer); PubMed 11030417 (cited by Pathway Genomics and Counsyl); PubMed 15744044 (cited by Pathway Genomics and Counsyl); PubMed 12491487 (cited by Counsyl); PubMed 20104584 (cited by Counsyl); PubMed 24728327 (cited by ITMI).